The following is an entry in ClinVar:

NM_020856.4(TSHZ3):c.2835C>T (p.Thr945=)

Gene: TSHZ3 (teashirt zinc finger homeobox 3; minus strand). Cytogenetic location: 19q12.
Variant type: single nucleotide variant.
Coding change: c.2835C>T on transcript NM_020856.4 (MANE Select); coding-DNA position 2835, C replaced by T.
Protein change: p.Thr945=; no amino-acid change (threonine 945 retained).
Molecular consequence: synonymous variant.
Genome position (GRCh38, 1-based): chr19:31,276,958, G>A on the plus strand (C>T on the coding strand, the complement: TSHZ3 is on the minus strand). VCF-style: chr19-31276958-G-A. GRCh37 (hg19) VCF-style: chr19-31767864-G-A.
Identifiers: ClinVar variation 2649676 (VCV002649676.24), dbSNP rs778285502, ClinGen allele CA9353982.

ClinVar aggregate classification (germline): Likely benign (1 of 4 stars; one submission).

Allele frequency attached by ClinVar (database versions not stated): gnomAD exomes 0.00001; ExAC 0.00002.
gnomAD v4.1: 9 of 1,614,208 alleles (0.00056%); highest among the groups gnomAD compares: Non-Finnish European, 0.00068%; no homozygotes.

Submission:

CeGaT Center for Human Genetics Tuebingen
Classification: Likely benign. Last evaluated: 2022-12-01. Review status: criteria provided, single submitter. Criteria: CeGaT Center For Human Genetics Tuebingen Variant Classification Criteria Version 2. Collection method: clinical testing. Allele origin: germline. Affected: yes. Observed: 1 variant allele.
Comment: TSHZ3: BP4